The following is an entry in ClinVar:

NM_006885.4(ZFHX3):c.1869T>A (p.Ala623=)

Gene: ZFHX3 (zinc finger homeobox 3; minus strand). Cytogenetic location: 16q22.3.
Variant type: single nucleotide variant.
Coding change: c.1869T>A on transcript NM_006885.4 (MANE Select); coding-DNA position 1869, T replaced by A.
Protein change: p.Ala623=; no amino-acid change (alanine 623 retained).
Molecular consequence: synonymous variant. On other transcripts: intron variant (1).
Genome position (GRCh38, 1-based): chr16:72,958,277, A>T on the plus strand (T>A on the coding strand, the complement: ZFHX3 is on the minus strand). VCF-style: chr16-72958277-A-T. GRCh37 (hg19) VCF-style: chr16-72992176-A-T.
Other names: c.1869T>A, p.Ala623= (NM_001386735.1); c.-23-7312T>A (NM_001164766.2).
Identifiers: ClinVar variation 2646845 (VCV002646845.24), dbSNP rs771356540, ClinGen allele CA8164611.

ClinVar aggregate classification (germline): Likely benign (1 of 4 stars; one submission).

Allele frequency attached by ClinVar (database versions not stated): gnomAD exomes 0.00005; TOPMed 0.00006; gnomAD 0.00008; ExAC 0.00010.
gnomAD v4.1: 94 of 1,613,878 alleles (0.0058%); highest among the groups gnomAD compares: Middle Eastern, 0.033%; no homozygotes.

Submission:

CeGaT Center for Human Genetics Tuebingen
Classification: Likely benign. Last evaluated: 2022-06-01. Review status: criteria provided, single submitter. Criteria: CeGaT Center For Human Genetics Tuebingen Variant Classification Criteria Version 2. Collection method: clinical testing. Allele origin: germline. Affected: yes. Observed: 1 variant allele.
Comment: ZFHX3: BP4, BP7